The following is an entry in ClinVar:

NM_015346.4(ZFYVE26):c.5485-1del

Gene: ZFYVE26 (zinc finger FYVE-type containing 26; minus strand). Cytogenetic location: 14q24.1.
Variant type: Deletion.
Coding change: c.5485-1del on transcript NM_015346.4 (MANE Select); the canonical splice acceptor site of the intron before coding-DNA position 5485, one base deleted (G; older notation c.5485-1delG).
Molecular consequence: splice acceptor variant.
Genome position (GRCh38, 1-based): chr14:67,769,731, C deleted on the plus strand (G on the coding strand, the reverse complement: ZFYVE26 is on the minus strand). VCF-style (leftmost placement, unchanged base first): chr14-67769730-AC-A. GRCh37 (hg19) VCF-style: chr14-68236447-AC-A.
Identifiers: ClinVar variation 241051 (VCV000241051.10), dbSNP rs878855013, ClinGen allele CA10583179.

ClinVar aggregate classification (germline): Pathogenic/Likely pathogenic. Review status: criteria provided, multiple submitters, no conflicts (2 of 4 stars). 2 submissions from 2 submitters: Pathogenic (1); Likely pathogenic (1). Last evaluated 2016-08-15.

Conditions:
Spastic paraplegia. Identifiers: MedGen C0037772, HP:0001258.

Submissions (2):

Eurofins Ntd Llc (ga)
Classification: Pathogenic. Last evaluated: 2016-08-15. Review status: criteria provided, single submitter. Criteria: EGL Classification Definitions 2015. Collection method: clinical testing. Allele origin: germline. Observed: 1 variant allele, 1 heterozygote.

Labcorp Genetics (formerly Invitae), Labcorp
Classification: Likely pathogenic for Spastic paraplegia. Last evaluated: 2016-03-05. Review status: criteria provided, single submitter. Criteria: Invitae Variant Classification Sherloc (09022015). Collection method: clinical testing. Allele origin: germline.
Comment: In summary, donor and acceptor splice site variants are typically truncating (PMID: 16199547), and truncating variants in ZFYVE26 are known to be pathogenic (PMID: 19805727). However, without additional functional and/or genetic data, this variant has been classified as Likely Pathogenic. This sequence change affects an acceptor splice site in intron 28 of the ZFYVE26 gene. It is expected to disrupt mRNA splicing and likely results in an absent or disrupted protein product.

Literature cited by the submitters: PubMed 16199547 (cited by Labcorp Genetics (formerly Invitae), Labcorp); PubMed 19805727 (cited by Labcorp Genetics (formerly Invitae), Labcorp).